The following is an entry in ClinVar:

NM_004360.5(CDH1):c.1200T>G (p.Asp400Glu)

Gene: CDH1 (cadherin 1; plus strand). Cytogenetic location: 16q22.1.
Variant type: single nucleotide variant.
Coding change: c.1200T>G on transcript NM_004360.5 (MANE Select); coding-DNA position 1200, T replaced by G.
Protein change: p.Asp400Glu; replaces aspartic acid 400 with glutamic acid.
Molecular consequence: missense variant. On other transcripts: 5 prime UTR variant (2), intron variant (1).
Genome position (GRCh38, 1-based): chr16:68,813,375, T>G. VCF-style: chr16-68813375-T-G. GRCh37 (hg19) VCF-style: chr16-68847278-T-G.
Other names: c.-416T>G (NM_001317185.2); c.-620T>G (NM_001317186.2); c.1137+1112T>G (NM_001317184.2); short protein forms D400E.
Identifiers: ClinVar variation 628076 (VCV000628076.5), dbSNP rs786201680, ClinGen allele CA396461284.

ClinVar aggregate classification (germline): Uncertain significance (1 of 4 stars; one submission).

Conditions:
Hereditary cancer-predisposing syndrome. Also called: Neoplastic Syndromes, Hereditary; Tumor predisposition; Hereditary neoplastic syndrome; Hereditary Cancer Syndrome. Identifiers: Orphanet 140162, MedGen C0027672, MeSH D009386, MONDO:0015356.

Submission:

Color Diagnostics, LLC DBA Color Health
Classification: Uncertain significance for Hereditary cancer-predisposing syndrome. Last evaluated: 2023-12-05. Review status: criteria provided, single submitter. Criteria: ACMG Guidelines, 2015. Collection method: clinical testing. Allele origin: germline.
Comment: This missense variant replaces aspartic acid with glutamic acid at codon 400 of the CDH1 protein. To our knowledge, functional studies have not been reported for this variant. This variant has not been reported in individuals affected with CDH1-related disorders in the literature. This variant has not been identified in the general population by the Genome Aggregation Database (gnomAD). The available evidence is insufficient to determine the role of this variant in disease conclusively. Therefore, this variant is classified as a Variant of Uncertain Significance.